The following is an entry in ClinVar:

NM_001290321.3(DMXL1):c.8182G>A (p.Val2728Ile)

Gene: DMXL1 (Dmx like 1; plus strand). Cytogenetic location: 5q23.1.
Variant type: single nucleotide variant.
Coding change: c.8182G>A on transcript NM_001290321.3 (MANE Select); coding-DNA position 8182, G replaced by A.
Protein change: p.Val2728Ile; replaces valine 2728 with isoleucine.
Molecular consequence: missense variant. On other transcripts: non-coding transcript variant (3).
Genome position (GRCh38, 1-based): chr5:119,220,986, G>A. VCF-style: chr5-119220986-G-A. GRCh37 (hg19) VCF-style: chr5-118556681-G-A.
Other names: c.8182G>A, p.Val2728Ile (NM_001349239.2); c.8119G>A, p.Val2707Ile (NM_001349240.2, NM_001387933.1, NM_005509.6); c.7927G>A, p.Val2643Ile (NM_001387934.1); c.7414G>A, p.Val2472Ile (NM_001387937.1); c.7195G>A, p.Val2399Ile (NM_001387938.1); short protein forms V2399I, V2472I, V2643I, V2707I, V2728I.
Identifiers: ClinVar variation 2633712 (VCV002633712.1), dbSNP rs1784552321, ClinGen allele CA360853549.

ClinVar aggregate classification (germline): Uncertain significance (1 of 4 stars; one submission).

Conditions:
DMXL1-related disorder. Also called: DMXL1-related condition.

Allele frequency attached by ClinVar (database versions not stated): gnomAD exomes below 0.00001.
gnomAD v4.1: 1 of 1,613,766 alleles (0.000062%); highest among the groups gnomAD compares: African/African-American, 0.0013%; no homozygotes.

Submission:

PreventionGenetics, part of Exact Sciences
Classification: Uncertain significance for DMXL1-related condition. Last evaluated: 2023-05-01. Review status: criteria provided, single submitter. Criteria: ACMG Guidelines, 2015. Collection method: clinical testing. Allele origin: germline.
Comment: The DMXL1 c.8182G>A variant is predicted to result in the amino acid substitution p.Val2728Ile. To our knowledge, this variant has not been reported in the literature or in a large population database, indicating this variant is rare. At this time, the clinical significance of this variant is uncertain due to the absence of conclusive functional and genetic evidence.